The following is an entry in ClinVar:

NM_000059.4(BRCA2):c.8632+1183A>G

Gene: BRCA2 (BRCA2 DNA repair associated; plus strand). Cytogenetic location: 13q13.1.
Variant type: single nucleotide variant.
Coding change: c.8632+1183A>G on transcript NM_000059.4 (MANE Select); 1183 bases into the intron after coding-DNA position 8632, A replaced by G.
Molecular consequence: intron variant.
Genome position (GRCh38, 1-based): chr13:32,372,283, A>G. VCF-style: chr13-32372283-A-G. GRCh37 (hg19) VCF-style: chr13-32946420-A-G.
Other names: IVS 20+1183A>G.
Identifiers: ClinVar variation 209824 (VCV000209824.1), dbSNP rs112870240, ClinGen allele CA276792.
Genomic context (GRCh38, chr13:32,372,283, plus strand): 5'-ATCCTTTGTTGTCATTTCAACAATATTCACAGCACCTTCGCCAGGACTAGATTCCCTCTC[A>G]AGAAACTACTTTCTTTGCTTATCCATAAGAAGCAGCTCTGTATTAATCTGTTCCCACACT-3'

ClinVar aggregate classification (germline): Benign (3 of 4 stars; one submission).

Conditions:
Breast-ovarian cancer, familial, susceptibility to, 2 (BROVCA2). Also called: BRCA2 Hereditary Breast and Ovarian Cancer. Identifiers: Orphanet 145, MedGen C2675520, MONDO:0012933, OMIM 612555. Disease mechanism: loss of function.

Allele frequency attached by ClinVar (database versions not stated): gnomAD 0.00979 and 0.01056; 1000 Genomes Project 0.01018; 1000 Genomes Project 30x 0.01046; TOPMed 0.01084.
gnomAD v4.1: 1,478 of 152,296 alleles (0.97%); highest among the groups gnomAD compares: African/African-American, 3.4%; 30 homozygotes.

Submission:

Evidence-based Network for the Interpretation of Germline Mutant Alleles (ENIGMA)
Classification: Benign for Breast-ovarian cancer, familial 2. Last evaluated: 2015-01-12. Review status: reviewed by expert panel. Criteria: ENIGMA BRCA1/2 Classification Criteria (2015). Collection method: curation. Allele origin: germline.
Comment: Class 1 not pathogenic based on frequency >1% in an outbred sampleset. Frequency 0.04268 (African), derived from 1000 genomes (2012-04-30).